The following is an entry in ClinVar:

NM_018896.5(CACNA1G):c.3704G>A (p.Arg1235Gln)

Gene: CACNA1G (calcium voltage-gated channel subunit alpha1 G; plus strand). Cytogenetic location: 17q21.33.
Variant type: single nucleotide variant.
Coding change: c.3704G>A on transcript NM_018896.5 (MANE Select); coding-DNA position 3704, G replaced by A.
Protein change: p.Arg1235Gln; replaces arginine 1235 with glutamine.
Molecular consequence: missense variant. On other transcripts: non-coding transcript variant (5).
Genome position (GRCh38, 1-based): chr17:50,600,739, G>A. VCF-style: chr17-50600739-G-A. GRCh37 (hg19) VCF-style: chr17-48678100-G-A.
Other names: p.Arg1235Gln; c.3704G>A, p.Arg1235Gln (NM_001256333.2, NM_001256334.2, NM_001256359.2 and 16 more transcripts); c.3635G>A, p.Arg1212Gln (NM_198376.3, NM_198379.3, NM_001256332.2 and 5 more transcripts); short protein forms R1235Q, R1212Q.
Identifiers: ClinVar variation 787647 (VCV000787647.42), dbSNP rs150972562, ClinGen allele CA8652806.

ClinVar aggregate classification (germline): Benign/Likely benign. Review status: criteria provided, multiple submitters, no conflicts (2 of 4 stars). 7 submissions from 7 submitters: Benign (2); Likely benign (4). 1 of the submissions does not count toward it. Last evaluated 2026-06-01.

Conditions:
CACNA1G-related disorder. Also called: CACNA1G-related condition; CACNA1G-related disorders.

Allele frequency attached by ClinVar (database versions not stated): 1000 Genomes Project 0.00100; 1000 Genomes Project 30x 0.00109; gnomAD 0.00160; TOPMed 0.00194; ESP Exome Variant Server 0.00263.
gnomAD v4.1: 4,522 of 1,613,762 alleles (0.28%); highest among the groups gnomAD compares: Non-Finnish European, 0.36%; 5 homozygotes.

Submissions (7):

CeGaT Center for Human Genetics Tuebingen
Classification: Likely benign. Last evaluated: 2026-06-01. Review status: criteria provided, single submitter. Criteria: CeGaT Center For Human Genetics Tuebingen Variant Classification Criteria Version 2. Collection method: clinical testing. Allele origin: germline. Affected: yes. Observed: 26 variant alleles.
Comment: CACNA1G: BS1

Labcorp Genetics (formerly Invitae), Labcorp
Classification: Likely benign. Last evaluated: 2026-01-19. Review status: criteria provided, single submitter. Criteria: Invitae Variant Classification Sherloc (09022015). Collection method: clinical testing. Allele origin: germline.

Blueprint Genetics
Classification: Likely benign. Last evaluated: 2024-11-22. Review status: criteria provided, single submitter. Criteria: ACMG Guidelines, 2015. Collection method: clinical testing. Allele origin: germline.

Mayo Clinic Laboratories, Mayo Clinic
Classification: Benign. Last evaluated: 2024-03-14. Review status: criteria provided, single submitter. Criteria: ACMG Guidelines, 2015. Collection method: clinical testing. Allele origin: germline. Observed: 2 variant alleles.
Comment: BS1, BS2

GeneDx
Classification: Benign. Last evaluated: 2021-05-18. Review status: criteria provided, single submitter. Criteria: GeneDx Variant Classification Process June 2021. Collection method: clinical testing. Allele origin: germline. Affected: yes.

Breakthrough Genomics
Classification: Likely benign. Review status: criteria provided, single submitter. Criteria: ACMG Guidelines, 2015. Collection method: not provided. Allele origin: germline. Inheritance: Autosomal dominant inheritance. Affected: yes.

PreventionGenetics, part of Exact Sciences
Classification: Likely benign for CACNA1G-related condition. Last evaluated: 2019-04-30. Review status: no assertion criteria provided. Collection method: clinical testing. Allele origin: germline. Not counted in ClinVar's aggregate classification.
Comment: This variant is classified as likely benign based on ACMG/AMP sequence variant interpretation guidelines (Richards et al. 2015 PMID: 25741868, with internal and published modifications).

Literature cited by the submitters: PubMed 33421703 (cited by Mayo Clinic Laboratories, Mayo Clinic).